The following is an entry in ClinVar:

NM_003001.5(SDHC):c.317T>C (p.Leu106Pro)

Gene: SDHC (succinate dehydrogenase complex subunit C; plus strand). Cytogenetic location: 1q23.3.
Variant type: single nucleotide variant.
Coding change: c.317T>C on transcript NM_003001.5 (MANE Select); coding-DNA position 317, T replaced by C.
Protein change: p.Leu106Pro; replaces leucine 106 with proline.
Molecular consequence: missense variant. On other transcripts: non-coding transcript variant (1), intron variant (3).
Genome position (GRCh38, 1-based): chr1:161,356,752, T>C. VCF-style: chr1-161356752-T-C. GRCh37 (hg19) VCF-style: chr1-161326542-T-C.
Other names: c.215T>C, p.Leu72Pro (NM_001035512.3); c.158T>C, p.Leu53Pro (NM_001035513.3); c.437T>C, p.Leu146Pro (NM_001407115.1); c.260T>C, p.Leu87Pro (NM_001407116.1); c.254T>C, p.Leu85Pro (NM_001407117.1); c.209T>C, p.Leu70Pro (NM_001407118.1); c.206T>C, p.Leu69Pro (NM_001407119.1, NM_001407120.1); c.242-5577T>C (NM_001035511.3); and 2 more; short protein forms L146P, L70P, L72P, L85P, L106P, L53P, L69P, L87P.
Identifiers: ClinVar variation 1728532 (VCV001728532.3), dbSNP rs2526536700, ClinGen allele CA343456468.

ClinVar aggregate classification (germline): Uncertain significance (1 of 4 stars; one submission).

Conditions:
Hereditary cancer-predisposing syndrome. Also called: Neoplastic Syndromes, Hereditary; Tumor predisposition; Hereditary Cancer Syndrome; Hereditary neoplastic syndrome. Identifiers: Orphanet 140162, MedGen C0027672, MeSH D009386, MONDO:0015356.

Submission:

Ambry Genetics
Classification: Uncertain significance for Hereditary cancer-predisposing syndrome. Last evaluated: 2026-04-24. Review status: criteria provided, single submitter. Criteria: Ambry Variant Classification Scheme 2023. Collection method: clinical testing. Allele origin: germline.
Comment: The p.L106P variant (also known as c.317T>C), located in coding exon 5 of the SDHC gene, results from a T to C substitution at nucleotide position 317. The leucine at codon 106 is replaced by proline, an amino acid with similar properties. This amino acid position is conserved. In addition, this alteration is predicted to be deleterious by in silico analysis. Based on the available evidence, the clinical significance of this variant remains unclear.